The following is an entry in ClinVar:

ClinVar aggregate classification (germline): Uncertain significance (1 of 4 stars; one submission).

Conditions:
Autoimmune interstitial lung disease-arthritis syndrome. Also called: Autoinflammation and autoimmunity, systemic, with immune dysregulation. Identifiers: Orphanet 444092, MedGen C5975714, MONDO:0014629.

Submission:

Labcorp Genetics (formerly Invitae), Labcorp
Classification: Uncertain significance for Autoimmune interstitial lung disease-arthritis syndrome. Last evaluated: 2024-03-07. Review status: criteria provided, single submitter. Criteria: Invitae Variant Classification Sherloc (09022015). Collection method: clinical testing. Allele origin: germline.
Comment: This sequence change replaces valine, which is neutral and non-polar, with alanine, which is neutral and non-polar, at codon 1040 of the COPA protein (p.Val1040Ala). This variant is not present in population databases (gnomAD no frequency). This variant has not been reported in the literature in individuals affected with COPA-related conditions. ClinVar contains an entry for this variant (Variation ID: 1719225). Advanced modeling of protein sequence and biophysical properties (such as structural, functional, and spatial information, amino acid conservation, physicochemical variation, residue mobility, and thermodynamic stability) performed at Invitae indicates that this missense variant is not expected to disrupt COPA protein function with a negative predictive value of 80%. In summary, the available evidence is currently insufficient to determine the role of this variant in disease. Therefore, it has been classified as a Variant of Uncertain Significance.

NM_004371.4(COPA):c.3119T>C (p.Val1040Ala)

Gene: COPA (coat protein complex I subunit alpha; minus strand). Cytogenetic location: 1q23.2.
Variant type: single nucleotide variant.
Coding change: c.3119T>C on transcript NM_004371.4 (MANE Select); coding-DNA position 3119, T replaced by C.
Protein change: p.Val1040Ala; replaces valine 1040 with alanine.
Molecular consequence: missense variant.
Genome position (GRCh38, 1-based): chr1:160,292,040, A>G on the plus strand (T>C on the coding strand, the complement: COPA is on the minus strand). VCF-style: chr1-160292040-A-G. GRCh37 (hg19) VCF-style: chr1-160261830-A-G.
Other names: c.3146T>C, p.Val1049Ala (NM_001098398.2); short protein forms V1040A, V1049A.
Identifiers: ClinVar variation 1719225 (VCV001719225.5), dbSNP rs34997807, ClinGen allele CA343272197.
Genomic context (GRCh38, chr1:160,292,040, plus strand): 5'-CCAGAACTGGGACAGCGGCTAGACCCTCCTACCTCTGCAATCTCTTGTTTATTGTCCACA[A>G]CAAGAAGTGGCACACTGAGAAGGATGGAACGGAATTTTTCCACAGCCTCCTCAAATTTGC-3'
Protein context (NP_004362.2, residues 1030-1050): RSILLSVPLL[Val1040Ala]VDNKQEIAEA